The following is an entry in ClinVar:

NM_000975.5(RPL11):c.298_299del (p.Ser100fs)

Gene: RPL11 (ribosomal protein L11; plus strand). Cytogenetic location: 1p36.11.
Variant type: Microsatellite.
Coding change: c.298_299del on transcript NM_000975.5 (MANE Select); coding-DNA positions 298 to 299, 2 bases deleted (TC; older notation c.298_299delTC).
Protein change: p.Ser100fs; shifts the reading frame from serine 100.
Molecular consequence: frameshift variant.
Genome position (GRCh38, 1-based): chr1:23,694,693-23,694,694, TC deleted; deleting any 2 consecutive bases within chr1:23,694,691-23,694,694 gives the same sequence; the c. name uses the placement nearest the transcript's 3' end. VCF-style (leftmost placement, unchanged base first): chr1-23694690-TTC-T. GRCh37 (hg19) VCF-style: chr1-24021180-TTC-T.
Other names: c.295_296del, p.Ser99fs (NM_001199802.1); short protein forms S100fs, S99fs.
Identifiers: ClinVar variation 1798396 (VCV001798396.2), dbSNP rs2523400044, ClinGen allele CA2580611430.
Genomic context (GRCh38, chr1:23,694,690, plus strand): 5'-GGAATGTTATTGCTGCATTTTTCTCCACAGGTGCGGGAGTATGAGTTAAGAAAAAACAAC[TTC>T]TCAGATACTGGAAACTTTGGTTTTGGGATCCAGGAACACATCGATCTGGGTATCAAATAT-3'

ClinVar aggregate classification (germline): Pathogenic (1 of 4 stars; one submission).

Conditions:
Diamond-Blackfan anemia. Also called: Blackfan Diamond syndrome; Aregenerative anemia chronic congenital; Red cell aplasia, pure hereditary; Congenital hypoplastic anemia; Aase syndrome. Identifiers: Orphanet 124, MedGen C1260899, MeSH D029503, MONDO:0015253, HP:0004810.

Submission:

Ambry Genetics
Classification: Pathogenic for Diamond-Blackfan anemia. Last evaluated: 2017-03-15. Review status: criteria provided, single submitter. Criteria: Ambry Variant Classification Scheme 2023. Collection method: clinical testing. Allele origin: germline.
Comment: The c.298_299delTC pathogenic mutation, located in coding exon 4 of the RPL11 gene, results from a deletion of two nucleotides at nucleotide positions 298 to 299, causing a translational frameshift with a predicted alternate stop codon (p.S100Rfs*20). This alteration is expected to result in loss of function by premature protein truncation or nonsense-mediated mRNA decay. As such, this alteration is interpreted as a disease-causing mutation.